The following is an entry in ClinVar:

NM_001267550.2(TTN):c.67445G>T (p.Arg22482Leu)

Genes: TTN (titin; minus strand), TTN-AS1 (TTN antisense RNA 1; plus strand), LOC126806423 (CDK7 strongly-dependent group 2 enhancer GRCh37_chr2:179443309-179444508; plus strand). Cytogenetic location: 2q31.2.
Variant type: single nucleotide variant.
Coding change: c.67445G>T on transcript NM_001267550.2 (MANE Select); coding-DNA position 67445, G replaced by T.
Protein change: p.Arg22482Leu; replaces arginine 22482 with leucine.
Molecular consequence: missense variant.
Genome position (GRCh38, 1-based): chr2:178,579,752, C>A on the plus strand (G>T on the coding strand, the complement: TTN is on the minus strand). VCF-style: chr2-178579752-C-A. GRCh37 (hg19) VCF-style: chr2-179444479-C-A.
Other names: c.62522G>T, p.Arg20841Leu (NM_001256850.1); c.40250G>T, p.Arg13417Leu (NM_003319.4); c.59741G>T, p.Arg19914Leu (NM_133378.4); c.40625G>T, p.Arg13542Leu (NM_133432.3); c.40826G>T, p.Arg13609Leu (NM_133437.4); short protein forms R13417L, R13542L, R13609L, R22482L, R19914L, R20841L.
Identifiers: ClinVar variation 1737136 (VCV001737136.2), dbSNP rs200146608, ClinGen allele CA349423741.

ClinVar aggregate classification (germline): Uncertain significance (1 of 4 stars; one submission).

Conditions:
Cardiovascular phenotype. Identifiers: MedGen CN230736.

gnomAD v4.1: 3 of 1,613,234 alleles (0.00019%); highest among the groups gnomAD compares: Non-Finnish European, 0.00025%; no homozygotes.

Submission:

Ambry Genetics
Classification: Uncertain significance for Cardiovascular phenotype. Last evaluated: 2019-02-17. Review status: criteria provided, single submitter. Criteria: Ambry Variant Classification Scheme 2023. Collection method: clinical testing. Allele origin: germline.
Comment: The p.R13417L variant (also known as c.40250G>T), located in coding exon 146 of the TTN gene, results from a G to T substitution at nucleotide position 40250. The arginine at codon 13417 is replaced by leucine, an amino acid with dissimilar properties. This amino acid position is well conserved in available vertebrate species. In addition, this alteration is predicted to be tolerated by in silico analysis. Since supporting evidence is limited at this time, the clinical significance of this alteration remains unclear.